The following is an entry in ClinVar:

ClinVar aggregate classification (germline): Conflicting classifications of pathogenicity. Review status: criteria provided, conflicting classifications (1 of 4 stars). 4 submissions from 4 submitters: Uncertain significance (3); Likely benign (1). Last evaluated 2025-06-01.

Conditions:
Hereditary cancer-predisposing syndrome. Also called: Hereditary Cancer Syndrome; Neoplastic Syndromes, Hereditary; Tumor predisposition; Hereditary neoplastic syndrome. Identifiers: Orphanet 140162, MedGen C0027672, MeSH D009386, MONDO:0015356.
Breast-ovarian cancer, familial, susceptibility to, 2 (BROVCA2). Also called: BRCA2 Hereditary Breast and Ovarian Cancer. Identifiers: Orphanet 145, MedGen C2675520, MONDO:0012933, OMIM 612555. Disease mechanism: loss of function.
Hereditary breast ovarian cancer syndrome. Also called: Hereditary breast and/or ovarian cancer syndrome; BRCA1- and BRCA2-Associated Hereditary Breast and Ovarian Cancer; Hereditary breast and ovarian cancer syndrome (HBOC); Hereditary breast and ovarian cancer; Hereditary breast and ovarian cancer syndrome; Breast and ovarian cancer. Identifiers: Orphanet 145, MedGen C0677776, MeSH D061325, MONDO:0003582. Disease mechanism: loss of function.

Allele frequency attached by ClinVar (database versions not stated): gnomAD exomes below 0.00001.
gnomAD v4.1: 1 of 1,613,960 alleles (0.000062%); highest among the groups gnomAD compares: Non-Finnish European, 0.000085%; no homozygotes.

Submissions (4):

Labcorp Genetics (formerly Invitae), Labcorp
Classification: Uncertain significance for Hereditary breast ovarian cancer syndrome. Last evaluated: 2025-06-01. Review status: criteria provided, single submitter. Criteria: Invitae Variant Classification Sherloc (09022015). Collection method: clinical testing. Allele origin: germline.
Comment: This sequence change replaces threonine, which is neutral and polar, with isoleucine, which is neutral and non-polar, at codon 703 of the BRCA2 protein (p.Thr703Ile). This variant is not present in population databases (gnomAD no frequency). This missense change has been observed in individual(s) with breast and/or ovarian cancer (PMID: 29470806). ClinVar contains an entry for this variant (Variation ID: 233020). Invitae Evidence Modeling of protein sequence and biophysical properties (such as structural, functional, and spatial information, amino acid conservation, physicochemical variation, residue mobility, and thermodynamic stability) indicates that this missense variant is not expected to disrupt BRCA2 protein function with a negative predictive value of 95%. In summary, the available evidence is currently insufficient to determine the role of this variant in disease. Therefore, it has been classified as a Variant of Uncertain Significance.

Ambry Genetics
Classification: Uncertain significance for Hereditary cancer-predisposing syndrome. Last evaluated: 2023-06-23. Review status: criteria provided, single submitter. Criteria: Ambry Variant Classification Scheme 2023. Collection method: clinical testing. Allele origin: germline.
Comment: The p.T703I variant (also known as c.2108C>T), located in coding exon 10 of the BRCA2 gene, results from a C to T substitution at nucleotide position 2108. The threonine at codon 703 is replaced by isoleucine, an amino acid with similar properties. This variant was observed in a study of 1010 unrelated Indian patients with breast and/or ovarian cancer (Singh J et al. Breast Cancer Res Treat, 2018 Jul;170:189-196). This amino acid position is not well conserved in available vertebrate species. In addition, this alteration is predicted to be tolerated by in silico analysis. Since supporting evidence is limited at this time, the clinical significance of this alteration remains unclear.

University of Washington Department of Laboratory Medicine, University of Washington
Classification: Likely benign for Hereditary cancer-predisposing syndrome. Last evaluated: 2023-03-23. Review status: criteria provided, single submitter. Criteria: Dines et al. (Genet Med. 2020). Collection method: curation. Allele origin: germline.
Comment: Missense variant in a coldspot region where missense variants are very unlikely to be pathogenic (PMID:31911673).

BRCA2 exon 11 coldspot. Reclassification based on statistical prior probability.

Baylor Genetics
Classification: Uncertain significance for Breast-ovarian cancer, familial, susceptibility to, 2. Last evaluated: 2019-08-24. Review status: criteria provided, single submitter. Criteria: ACMG Guidelines, 2015. Collection method: clinical testing. Allele origin: maternal. Affected: yes. Study: CSER-TexasKidsCanSeq.
Comment: This variant was determined to be of uncertain significance according to ACMG Guidelines, 2015 [PMID:25741868].

Literature cited by the submitters: PubMed 29470806 (cited by Labcorp Genetics (formerly Invitae), Labcorp and Ambry Genetics).

NM_000059.4(BRCA2):c.2108C>T (p.Thr703Ile)

Gene: BRCA2 (BRCA2 DNA repair associated; plus strand). Cytogenetic location: 13q13.1.
Variant type: single nucleotide variant.
Coding change: c.2108C>T on transcript NM_000059.4 (MANE Select); coding-DNA position 2108, C replaced by T.
Protein change: p.Thr703Ile; replaces threonine 703 with isoleucine.
Molecular consequence: missense variant.
Genome position (GRCh38, 1-based): chr13:32,336,463, C>T. VCF-style: chr13-32336463-C-T. GRCh37 (hg19) VCF-style: chr13-32910600-C-T.
Other names: short protein forms T703I.
Identifiers: ClinVar variation 233020 (VCV000233020.19), dbSNP rs876660137, ClinGen allele CA10579523.